The following is an entry in ClinVar:

ClinVar aggregate classification (germline): Uncertain significance. Review status: criteria provided, multiple submitters, no conflicts (2 of 4 stars). 2 submissions from 2 submitters: Uncertain significance (2). Last evaluated 2024-01-19.

Conditions:
Hereditary cancer-predisposing syndrome. Also called: Hereditary neoplastic syndrome; Tumor predisposition; Hereditary Cancer Syndrome; Neoplastic Syndromes, Hereditary. Identifiers: Orphanet 140162, MedGen C0027672, MeSH D009386, MONDO:0015356.

gnomAD v4.1: 2 of 1,613,940 alleles (0.00012%); highest among the groups gnomAD compares: Non-Finnish European, 0.00017%; no homozygotes.

Submissions (2):

Labcorp Genetics (formerly Invitae), Labcorp
Classification: Uncertain significance for Hereditary cancer-predisposing syndrome. Last evaluated: 2024-01-19. Review status: criteria provided, single submitter. Criteria: Invitae Variant Classification Sherloc (09022015). Collection method: clinical testing. Allele origin: germline.
Comment: This sequence change replaces aspartic acid, which is acidic and polar, with glycine, which is neutral and non-polar, at codon 791 of the RAD50 protein (p.Asp791Gly). This variant is not present in population databases (gnomAD no frequency). This variant has not been reported in the literature in individuals affected with RAD50-related conditions. ClinVar contains an entry for this variant (Variation ID: 219777). Advanced modeling of protein sequence and biophysical properties (such as structural, functional, and spatial information, amino acid conservation, physicochemical variation, residue mobility, and thermodynamic stability) performed at Invitae indicates that this missense variant is not expected to disrupt RAD50 protein function with a negative predictive value of 80%. In summary, the available evidence is currently insufficient to determine the role of this variant in disease. Therefore, it has been classified as a Variant of Uncertain Significance.

Ambry Genetics
Classification: Uncertain significance for Hereditary cancer-predisposing syndrome. Last evaluated: 2023-09-22. Review status: criteria provided, single submitter. Criteria: Ambry Variant Classification Scheme 2023. Collection method: clinical testing. Allele origin: germline.
Comment: The p.D791G variant (also known as c.2372A>G), located in coding exon 14 of the RAD50 gene, results from an A to G substitution at nucleotide position 2372. The aspartic acid at codon 791 is replaced by glycine, an amino acid with similar properties. This amino acid position is conserved. In addition, this alteration is predicted to be deleterious by in silico analysis. Since supporting evidence is limited at this time, the clinical significance of this alteration remains unclear.

NM_005732.4(RAD50):c.2372A>G (p.Asp791Gly)

Gene: RAD50 (RAD50 double strand break repair protein; plus strand). Cytogenetic location: 5q31.1.
Variant type: single nucleotide variant.
Coding change: c.2372A>G on transcript NM_005732.4 (MANE Select); coding-DNA position 2372, A replaced by G.
Protein change: p.Asp791Gly; replaces aspartic acid 791 with glycine.
Molecular consequence: missense variant.
Genome position (GRCh38, 1-based): chr5:132,603,464, A>G. VCF-style: chr5-132603464-A-G. GRCh37 (hg19) VCF-style: chr5-131939156-A-G.
Other names: short protein forms D791G.
Identifiers: ClinVar variation 219777 (VCV000219777.10), dbSNP rs758031764, ClinGen allele CA348593.